The following is an entry in ClinVar:

NM_006214.4(PHYH):c.565A>T (p.Ile189Phe)

Gene: PHYH (phytanoyl-CoA 2-hydroxylase; minus strand). Cytogenetic location: 10p13.
Variant type: single nucleotide variant.
Coding change: c.565A>T on transcript NM_006214.4 (MANE Select); coding-DNA position 565, A replaced by T.
Protein change: p.Ile189Phe; replaces isoleucine 189 with phenylalanine.
Molecular consequence: missense variant. On other transcripts: intron variant (1).
Genome position (GRCh38, 1-based): chr10:13,288,473, T>A on the plus strand (A>T on the coding strand, the complement: PHYH is on the minus strand). VCF-style: chr10-13288473-T-A. GRCh37 (hg19) VCF-style: chr10-13330473-T-A.
Other names: c.265A>T, p.Ile89Phe (NM_001037537.2, NM_001323080.2); c.571A>T, p.Ile191Phe (NM_001323082.2); c.271A>T, p.Ile91Phe (NM_001323084.2); c.415-4634A>T (NM_001323083.2); short protein forms I191F, I89F, I91F, I189F.
Identifiers: ClinVar variation 937036 (VCV000937036.9), dbSNP rs1227427780, ClinGen allele CA376035588.

ClinVar aggregate classification (germline): Uncertain significance (1 of 4 stars; one submission).

Allele frequency attached by ClinVar (database versions not stated): TOPMed below 0.00001.

Submission:

Labcorp Genetics (formerly Invitae), Labcorp
Classification: Uncertain significance. Last evaluated: 2019-10-11. Review status: criteria provided, single submitter. Criteria: Invitae Variant Classification Sherloc (09022015). Collection method: clinical testing. Allele origin: germline.
Comment: This sequence change replaces isoleucine with phenylalanine at codon 189 of the PHYH protein (p.Ile189Phe). The isoleucine residue is highly conserved and there is a small physicochemical difference between isoleucine and phenylalanine. This variant is not present in population databases (ExAC no frequency). This variant has not been reported in the literature in individuals with PHYH-related conditions. Algorithms developed to predict the effect of missense changes on protein structure and function are either unavailable or do not agree on the potential impact of this missense change (SIFT: "Deleterious"; PolyPhen-2: "Probably Damaging"; Align-GVGD: "Class C0"). In summary, the available evidence is currently insufficient to determine the role of this variant in disease. Therefore, it has been classified as a Variant of Uncertain Significance.